The following is an entry in ClinVar:

NM_001257291.2(SLC9A7):c.1324A>C (p.Ser442Arg)

Gene: SLC9A7 (solute carrier family 9 member A7; minus strand). Cytogenetic location: Xp11.3.
Variant type: single nucleotide variant.
Coding change: c.1324A>C on transcript NM_001257291.2 (MANE Select); coding-DNA position 1324, A replaced by C.
Protein change: p.Ser442Arg; replaces serine 442 with arginine.
Molecular consequence: missense variant.
Genome position (GRCh38, 1-based): chrX:46,651,136, T>G on the plus strand (A>C on the coding strand, the complement: SLC9A7 is on the minus strand). VCF-style: chrX-46651136-T-G. GRCh37 (hg19) VCF-style: chrX-46510571-T-G.
Other names: c.1321A>C, p.Ser441Arg (NM_032591.3); c.1321A>C (NM_032591.1); short protein forms S441R, S442R.
Identifiers: ClinVar variation 1943075 (VCV001943075.6), dbSNP rs772047963, ClinGen allele CA10393892.

ClinVar aggregate classification (germline): Uncertain significance. Review status: criteria provided, multiple submitters, no conflicts (2 of 4 stars). 2 submissions from 2 submitters: Uncertain significance (2). Last evaluated 2025-02-06.

Allele frequency attached by ClinVar (database versions not stated): gnomAD exomes 0.00001; ExAC 0.00002; gnomAD 0.00002; TOPMed 0.00003.
gnomAD v4.1: 14 of 1,206,498 alleles (0.0012%); highest among the groups gnomAD compares: Admixed American, 0.026%; no homozygotes.

Submissions (2):

Ambry Genetics
Classification: Uncertain significance. Last evaluated: 2025-02-06. Review status: criteria provided, single submitter. Criteria: Ambry Variant Classification Scheme 2023. Collection method: clinical testing. Allele origin: germline.

Labcorp Genetics (formerly Invitae), Labcorp
Classification: Uncertain significance. Last evaluated: 2022-05-12. Review status: criteria provided, single submitter. Criteria: Invitae Variant Classification Sherloc (09022015). Collection method: clinical testing. Allele origin: germline.
Comment: In summary, the available evidence is currently insufficient to determine the role of this variant in disease. Therefore, it has been classified as a Variant of Uncertain Significance. Algorithms developed to predict the effect of missense changes on protein structure and function are either unavailable or do not agree on the potential impact of this missense change (SIFT: "Tolerated"; PolyPhen-2: "Not Available"; Align-GVGD: "Class C0"). This variant has not been reported in the literature in individuals affected with SLC9A7-related conditions. This variant is present in population databases (rs772047963, gnomAD 0.04%), and has an allele count higher than expected for a pathogenic variant. This sequence change replaces serine, which is neutral and polar, with arginine, which is basic and polar, at codon 442 of the SLC9A7 protein (p.Ser442Arg).